The following is an entry in ClinVar:

NM_004646.4(NPHS1):c.397+2T>A

Gene: NPHS1 (NPHS1 adhesion molecule, nephrin; minus strand). Cytogenetic location: 19q13.12.
Variant type: single nucleotide variant.
Coding change: c.397+2T>A on transcript NM_004646.4 (MANE Select); the canonical splice donor site of the intron after coding-DNA position 397, T replaced by A.
Molecular consequence: splice donor variant.
Genome position (GRCh38, 1-based): chr19:35,851,260, A>T on the plus strand (T>A on the coding strand, the complement: NPHS1 is on the minus strand). VCF-style: chr19-35851260-A-T. GRCh37 (hg19) VCF-style: chr19-36342162-A-T.
Identifiers: ClinVar variation 1513569 (VCV001513569.8), dbSNP rs1054950770, ClinGen allele CA405410442.

ClinVar aggregate classification (germline): Likely pathogenic (1 of 4 stars; one submission).

Submission:

Labcorp Genetics (formerly Invitae), Labcorp
Classification: Likely pathogenic. Last evaluated: 2021-05-25. Review status: criteria provided, single submitter. Criteria: Invitae Variant Classification Sherloc (09022015). Collection method: clinical testing. Allele origin: germline.
Comment: This sequence change affects a donor splice site in intron 3 of the NPHS1 gene. It is expected to disrupt RNA splicing. Variants that disrupt the donor or acceptor splice site typically lead to a loss of protein function (PMID: 16199547), and loss-of-function variants in NPHS1 are known to be pathogenic (PMID: 11317351, 11854170, 12039988). In summary, the currently available evidence indicates that the variant is pathogenic, but additional data are needed to prove that conclusively. Therefore, this variant has been classified as Likely Pathogenic. Algorithms developed to predict the effect of sequence changes on RNA splicing suggest that this variant may disrupt the consensus splice site, but this prediction has not been confirmed by published transcriptional studies. This variant has not been reported in the literature in individuals with NPHS1-related conditions. This variant is not present in population databases (ExAC no frequency).

Literature cited by the submitters: PubMed 16199547; PubMed 11317351; PubMed 11854170; PubMed 12039988.